The following is an entry in ClinVar:

NM_002024.6(FMR1):c.420-11del

Gene: FMR1 (fragile X messenger ribonucleoprotein 1; plus strand). Cytogenetic location: Xq27.3.
Variant type: Deletion.
Coding change: c.420-11del on transcript NM_002024.6 (MANE Select); 11 bases into the intron before coding-DNA position 420, one base deleted (T; older notation c.420-11delT).
Molecular consequence: intron variant.
Genome position (GRCh38, 1-based): chrX:147,929,937, T deleted; the last of 11 consecutive T bases (chrX:147,929,927-147,929,937); deleting any one gives the same sequence. VCF-style (leftmost placement, unchanged base first): chrX-147929926-AT-A. GRCh37 (hg19) VCF-style: chrX-147011445-AT-A.
Other names: c.420-11del (NM_001185075.2, NM_001185076.2, NM_001185082.2 and 1 more transcripts).
Identifiers: ClinVar variation 3059736 (VCV003059736.2), dbSNP rs782218323, ClinGen allele CA10536159.
Genomic context (GRCh38, chrX:147,929,926, plus strand): 5'-CTTGTATGTGTAAATCTGCCTGCATTTATTTATGTCAGTAGTTGGTAATTATTCATCTTA[AT>A]TTTTTTTTTTAAATTTCTAGGTGTGCCAAAGAGGCGGCACATAAGGATTTTAAAAAGGCA-3'

ClinVar aggregate classification (germline): Benign (0 of 4 stars; one submission).

Conditions:
FMR1-related disorder. Also called: FMR1-related condition.

Submission:

PreventionGenetics, part of Exact Sciences
Classification: Benign for FMR1-related condition. Last evaluated: 2020-11-10. Review status: no assertion criteria provided. Collection method: clinical testing. Allele origin: germline.
Comment: This variant is classified as benign based on ACMG/AMP sequence variant interpretation guidelines (Richards et al. 2015 PMID: 25741868, with internal and published modifications).